The following is an entry in ClinVar:

NM_000540.3(RYR1):c.5225G>A (p.Arg1742His)

Gene: RYR1 (ryanodine receptor 1; plus strand). Cytogenetic location: 19q13.2.
Variant type: single nucleotide variant.
Coding change: c.5225G>A on transcript NM_000540.3 (MANE Select); coding-DNA position 5225, G replaced by A.
Protein change: p.Arg1742His; replaces arginine 1742 with histidine.
Molecular consequence: missense variant.
Genome position (GRCh38, 1-based): chr19:38,485,880, G>A. VCF-style: chr19-38485880-G-A. GRCh37 (hg19) VCF-style: chr19-38976520-G-A.
Other names: c.5225G>A, p.Arg1742His (NM_001042723.2); short protein forms R1742H.
Identifiers: ClinVar variation 2143709 (VCV002143709.2), dbSNP rs368039436, ClinGen allele CA066779.

ClinVar aggregate classification (germline): Uncertain significance (1 of 4 stars; one submission).

Conditions:
RYR1-related disorder. Also called: RYR1-related condition; RYR1-related disorders. Identifiers: MedGen CN239331.

Allele frequency attached by ClinVar (database versions not stated): TOPMed below 0.00001; gnomAD 0.00001; ExAC 0.00002; ESP Exome Variant Server 0.00008.

Submission:

Labcorp Genetics (formerly Invitae), Labcorp
Classification: Uncertain significance for RYR1-related disorder. Last evaluated: 2024-06-16. Review status: criteria provided, single submitter. Criteria: Invitae Variant Classification Sherloc (09022015). Collection method: clinical testing. Allele origin: germline.
Comment: This sequence change replaces arginine, which is basic and polar, with histidine, which is basic and polar, at codon 1742 of the RYR1 protein (p.Arg1742His). This variant is present in population databases (rs368039436, gnomAD 0.003%). This variant has not been reported in the literature in individuals affected with RYR1-related conditions. ClinVar contains an entry for this variant (Variation ID: 2143709). Advanced modeling of protein sequence and biophysical properties (such as structural, functional, and spatial information, amino acid conservation, physicochemical variation, residue mobility, and thermodynamic stability) performed at Invitae indicates that this missense variant is not expected to disrupt RYR1 protein function with a negative predictive value of 95%. In summary, the available evidence is currently insufficient to determine the role of this variant in disease. Therefore, it has been classified as a Variant of Uncertain Significance.